The following is an entry in ClinVar:

ClinVar aggregate classification (germline): Uncertain significance. Review status: criteria provided, multiple submitters, no conflicts (2 of 4 stars). 4 submissions from 4 submitters: Uncertain significance (4). Last evaluated 2024-10-21.

Conditions:
Aortic aneurysm, familial thoracic 7 (AAT7). Also called: AORTIC DISSECTION, FAMILIAL, WITH OR WITHOUT AORTIC ANEURYSM. Identifiers: MedGen C3151077, MONDO:0013418, OMIM 613780.
Megacystis-microcolon-intestinal hypoperistalsis syndrome 1. Identifiers: MedGen C5542316, MONDO:0100354, OMIM 249210.
Familial thoracic aortic aneurysm and aortic dissection (TAAD). Also called: Thoracic aortic aneurysms and dissections. Identifiers: Orphanet 91387, MedGen C4707243, MONDO:0019625.

Allele frequency attached by ClinVar (database versions not stated): gnomAD 0.00002; gnomAD exomes 0.00002; ExAC 0.00003; TOPMed 0.00003; ESP Exome Variant Server 0.00008.
gnomAD v4.1: 36 of 1,614,056 alleles (0.0022%); highest among the groups gnomAD compares: Middle Eastern, 0.016%; no homozygotes.

Submissions (4):

Labcorp Genetics (formerly Invitae), Labcorp
Classification: Uncertain significance for Aortic aneurysm, familial thoracic 7. Last evaluated: 2024-10-21. Review status: criteria provided, single submitter. Criteria: Invitae Variant Classification Sherloc (09022015). Collection method: clinical testing. Allele origin: germline.
Comment: This sequence change replaces aspartic acid, which is acidic and polar, with asparagine, which is neutral and polar, at codon 1682 of the MYLK protein (p.Asp1682Asn). This variant is present in population databases (rs140456660, gnomAD 0.004%). This variant has not been reported in the literature in individuals affected with MYLK-related conditions. ClinVar contains an entry for this variant (Variation ID: 840175). Invitae Evidence Modeling of protein sequence and biophysical properties (such as structural, functional, and spatial information, amino acid conservation, physicochemical variation, residue mobility, and thermodynamic stability) indicates that this missense variant is not expected to disrupt MYLK protein function with a negative predictive value of 95%. In summary, the available evidence is currently insufficient to determine the role of this variant in disease. Therefore, it has been classified as a Variant of Uncertain Significance.

Genomic Medicine Center of Excellence, King Faisal Specialist Hospital and Research Centre
Classification: Uncertain significance for Aortic aneurysm, familial thoracic 7. Last evaluated: 2024-04-04. Review status: criteria provided, single submitter. Criteria: ACMG Guidelines, 2015. Collection method: clinical testing. Allele origin: germline.

Ambry Genetics
Classification: Uncertain significance for Familial thoracic aortic aneurysm and aortic dissection. Last evaluated: 2023-04-03. Review status: criteria provided, single submitter. Criteria: Ambry Variant Classification Scheme 2023. Collection method: clinical testing. Allele origin: germline.
Comment: The p.D1682N variant (also known as c.5044G>A), located in coding exon 27 of the MYLK gene, results from a G to A substitution at nucleotide position 5044. The aspartic acid at codon 1682 is replaced by asparagine, an amino acid with highly similar properties. This amino acid position is highly conserved in available vertebrate species. In addition, this alteration is predicted to be tolerated by in silico analysis. Since supporting evidence is limited at this time, the clinical significance of this alteration remains unclear.

Fulgent Genetics
Classification: Uncertain significance for Megacystis-microcolon-intestinal hypoperistalsis syndrome 1; Aortic aneurysm, familial thoracic 7. Last evaluated: 2021-09-28. Review status: criteria provided, single submitter. Criteria: ACMG Guidelines, 2015. Collection method: clinical testing. Allele origin: unknown.

NM_053025.4(MYLK):c.5044G>A (p.Asp1682Asn)

Genes: MYLK-AS1 (MYLK antisense RNA 1; plus strand), MYLK (myosin light chain kinase; minus strand), LOC126806791 (MED14-independent group 3 enhancer GRCh37_chr3:123347871-123349070; plus strand). Cytogenetic location: 3q21.1.
Variant type: single nucleotide variant.
Coding change: c.5044G>A on transcript NM_053025.4 (MANE Select); coding-DNA position 5044, G replaced by A.
Protein change: p.Asp1682Asn; replaces aspartic acid 1682 with asparagine.
Molecular consequence: missense variant. On other transcripts: non-coding transcript variant (2), intron variant (2).
Genome position (GRCh38, 1-based): chr3:123,629,544, C>T on the plus strand (G>A on the coding strand, the complement: MYLK is on the minus strand). VCF-style: chr3-123629544-C-T. GRCh37 (hg19) VCF-style: chr3-123348391-C-T.
Other names: c.4516G>A, p.Asp1506Asn (NM_001321309.2); c.4837G>A, p.Asp1613Asn (NM_053026.4); c.4755-2603G>A (NM_053028.4); c.4962-2603G>A (NM_053027.4); short protein forms D1613N, D1506N, D1682N.
Identifiers: ClinVar variation 840175 (VCV000840175.13), dbSNP rs140456660, ClinGen allele CA072437.